The following is an entry in ClinVar:

NM_032444.4(SLX4):c.3368C>A (p.Ser1123Tyr)

Gene: SLX4 (SLX4 structure-specific endonuclease subunit; minus strand). Cytogenetic location: 16p13.3.
Variant type: single nucleotide variant.
Coding change: c.3368C>A on transcript NM_032444.4 (MANE Select); coding-DNA position 3368, C replaced by A.
Protein change: p.Ser1123Tyr; replaces serine 1123 with tyrosine.
Molecular consequence: missense variant.
Genome position (GRCh38, 1-based): chr16:3,590,270, G>T on the plus strand (C>A on the coding strand, the complement: SLX4 is on the minus strand). VCF-style: chr16-3590270-G-T. GRCh37 (hg19) VCF-style: chr16-3640271-G-T.
Other names: c.3368C>A (LRG_503t1); short protein forms S1123Y.
Identifiers: ClinVar variation 436793 (VCV000436793.17), dbSNP rs144647122, ClinGen allele CA7865930.

ClinVar aggregate classification (germline): Uncertain significance. Review status: criteria provided, multiple submitters, no conflicts (2 of 4 stars). 7 submissions from 7 submitters: Uncertain significance (6). 1 of the submissions does not count toward it. Last evaluated 2024-09-30.

Conditions:
Fanconi anemia complementation group P. Also called: SLX4-Related Fanconi Anemia. Identifiers: Orphanet 84, MedGen C3469542, MONDO:0013499, OMIM 613951.
Fanconi anemia (FA). Also called: Fanconi's anemia. Identifiers: Orphanet 84, MedGen C0015625, MeSH D005199, MONDO:0019391.

Allele frequency attached by ClinVar (database versions not stated): 1000 Genomes Project 30x 0.00016; 1000 Genomes Project 0.00020; TOPMed 0.00029; ExAC 0.00031; gnomAD 0.00031 and 0.00032; gnomAD exomes 0.00031 and 0.00053; ESP Exome Variant Server 0.00085.
gnomAD v4.1: 810 of 1,614,090 alleles (0.05%); highest among the groups gnomAD compares: Non-Finnish European, 0.063%; 1 homozygote.

Submissions (7):

Blueprint Genetics
Classification: Uncertain significance. Last evaluated: 2024-09-30. Review status: criteria provided, single submitter. Criteria: ACMG Guidelines, 2015. Collection method: clinical testing. Allele origin: germline.

Labcorp Genetics (formerly Invitae), Labcorp
Classification: Uncertain significance for Fanconi anemia. Last evaluated: 2022-09-19. Review status: criteria provided, single submitter. Criteria: Invitae Variant Classification Sherloc (09022015). Collection method: clinical testing. Allele origin: germline.
Comment: This sequence change replaces serine, which is neutral and polar, with tyrosine, which is neutral and polar, at codon 1123 of the SLX4 protein (p.Ser1123Tyr). This variant is present in population databases (rs144647122, gnomAD 0.05%). This missense change has been observed in individual(s) with breast cancer and/or oropharynx cancer (PMID: 22911665, 23840564, 28678401, 30613976). ClinVar contains an entry for this variant (Variation ID: 436793). Algorithms developed to predict the effect of missense changes on protein structure and function are either unavailable or do not agree on the potential impact of this missense change (SIFT: "Tolerated"; PolyPhen-2: "Possibly Damaging"; Align-GVGD: "Class C0"). In summary, the available evidence is currently insufficient to determine the role of this variant in disease. Therefore, it has been classified as a Variant of Uncertain Significance.

Fulgent Genetics
Classification: Uncertain significance for Fanconi anemia complementation group P. Last evaluated: 2022-04-23. Review status: criteria provided, single submitter. Criteria: ACMG Guidelines, 2015. Collection method: clinical testing. Allele origin: unknown.

Institute for Clinical Genetics, University Hospital TU Dresden, University Hospital TU Dresden
Classification: Uncertain significance. Last evaluated: 2021-11-03. Review status: criteria provided, single submitter. Criteria: ACMG Guidelines, 2015. Collection method: clinical testing. Allele origin: germline.

Sema4
Classification: Uncertain significance for Fanconi anemia. Last evaluated: 2021-07-27. Review status: criteria provided, single submitter. Criteria: Sema4 Curation Guidelines. Collection method: curation. Allele origin: germline.
Comment: The SLX4 c.3368C>A (p.S1123Y) variant has been reported in heterozygosity in at least three individuals with breast cancer (PMID: 22911665, 23840564, 29868112). It was also identified in the compound heterozygous state with a full gene deletion of SLX4 in an individual with head and neck squamous cell carcinoma, without Fanconi Anemia phenotype (PMID: 28678401). This variant was observed in 63/129132 chromosomes in the European (non-Finnish) population, with no homozygotes, according to the Genome Aggregation Database (PMID: 32461654) and has been reported in ClinVar (Variation ID: 436793). In silico tools suggest the impact of the variant on protein function is benign, though these predictions have not been confirmed by functional studies. Based on the current evidence available, this variant is interpreted as a variant of uncertain significance.

Genetic Services Laboratory, University of Chicago
Classification: Uncertain significance. Last evaluated: 2017-04-05. Review status: criteria provided, single submitter. Criteria: ACMG Guidelines, 2015. Collection method: clinical testing. Allele origin: germline. Affected: no.

Leiden Open Variation Database
Classification: Likely benign. Last evaluated: 2012-08-31. Review status: no assertion criteria provided. Collection method: curation. Allele origin: germline. Affected: yes. Not counted in ClinVar's aggregate classification.
Comment: Curator: Arleen D. Auerbach. Submitter to LOVD: Janine Bakker.

Literature cited by the submitters: PubMed 22911665 (cited by 3 submitters); PubMed 23840564 (cited by Labcorp Genetics (formerly Invitae), Labcorp and Sema4); PubMed 28678401 (cited by Labcorp Genetics (formerly Invitae), Labcorp and Sema4); PubMed 30613976 (cited by Labcorp Genetics (formerly Invitae), Labcorp); PubMed 29868112 (cited by Sema4).